The following is an entry in ClinVar:

NM_000089.4(COL1A2):c.1329G>A (p.Glu443=)

Gene: COL1A2 (collagen type I alpha 2 chain; plus strand). Cytogenetic location: 7q21.3.
Variant type: single nucleotide variant.
Coding change: c.1329G>A on transcript NM_000089.4 (MANE Select); coding-DNA position 1329, G replaced by A.
Protein change: p.Glu443=; no amino-acid change (glutamic acid 443 retained).
Molecular consequence: synonymous variant.
Genome position (GRCh38, 1-based): chr7:94,411,133, G>A. VCF-style: chr7-94411133-G-A. GRCh37 (hg19) VCF-style: chr7-94040445-G-A.
Identifiers: ClinVar variation 994303 (VCV000994303.22), dbSNP rs146206917, ClinGen allele CA4347003.

ClinVar aggregate classification (germline): Likely benign. Review status: criteria provided, multiple submitters, no conflicts (2 of 4 stars). 4 submissions from 4 submitters: Likely benign (3). 1 of the submissions does not count toward it. Last evaluated 2025-11-08.

Conditions:
Osteogenesis imperfecta type I (OI1). Also called: OI, TYPE I; OSTEOGENESIS IMPERFECTA TARDA; OSTEOGENESIS IMPERFECTA WITH BLUE SCLERAE; Osteogenesis imperfecta type 1; Classic Non-deforming Osteogenesis Imperfecta with Blue Sclerae; Lobstein's Disease. Identifiers: Orphanet 216796, Orphanet 666, MedGen C0023931, MONDO:0008146, OMIM 166200. Disease mechanism: loss of function.
Ehlers-Danlos syndrome, classic type, 1 (EDSCL1). Also called: EHLERS-DANLOS SYNDROME, GRAVIS TYPE; EHLERS-DANLOS SYNDROME, SEVERE CLASSIC TYPE; EDS I; Ehlers-Danlos Syndrome, Classic Type, COL5A1-Related; Ehlers-Danlos syndrome, type 1. Identifiers: MedGen C0268335, MONDO:0019567, OMIM 130000.
COL1A2-related disorder. Also called: COL1A2-related condition; COL1A2-Related Disorders.
Cardiovascular phenotype. Identifiers: MedGen CN230736.

Allele frequency attached by ClinVar (database versions not stated): TOPMed 0.00021; gnomAD exomes 0.00005 and 0.00001; 1000 Genomes Project 0.00020; gnomAD 0.00021 and 0.00018; ExAC 0.00014; 1000 Genomes Project 30x 0.00016; ESP Exome Variant Server 0.00031.
gnomAD v4.1: 68 of 1,592,294 alleles (0.0043%); highest among the groups gnomAD compares: African/African-American, 0.047%; no homozygotes.

Submissions (4):

Labcorp Genetics (formerly Invitae), Labcorp
Classification: Likely benign for Osteogenesis imperfecta type I; Ehlers-Danlos syndrome, classic type, 1. Last evaluated: 2025-11-08. Review status: criteria provided, single submitter. Criteria: Invitae Variant Classification Sherloc (09022015). Collection method: clinical testing. Allele origin: germline.

ARUP Laboratories, Molecular Genetics and Genomics, ARUP Laboratories
Classification: Likely benign. Last evaluated: 2022-03-11. Review status: criteria provided, single submitter. Criteria: ARUP Molecular Germline Variant Investigation Process 2021. Collection method: clinical testing. Allele origin: germline.

Ambry Genetics
Classification: Likely benign for Cardiovascular phenotype. Last evaluated: 2020-03-17. Review status: criteria provided, single submitter. Criteria: Ambry Variant Classification Scheme 2023. Collection method: clinical testing. Allele origin: germline.

PreventionGenetics, part of Exact Sciences
Classification: Likely benign for COL1A2-related condition. Last evaluated: 2023-02-15. Review status: no assertion criteria provided. Collection method: clinical testing. Allele origin: germline. Not counted in ClinVar's aggregate classification.
Comment: This variant is classified as likely benign based on ACMG/AMP sequence variant interpretation guidelines (Richards et al. 2015 PMID: 25741868, with internal and published modifications).